The following is an entry in ClinVar:

NC_000023.10:g.(?_32563256)_(32663289_?)dup

Gene: DMD (dystrophin; minus strand). Cytogenetic location: Xp21.1.
Variant type: Duplication.
Identifiers: ClinVar variation 1458312 (VCV001458312.7).

ClinVar aggregate classification (germline): Pathogenic (1 of 4 stars; one submission).

Conditions:
Duchenne muscular dystrophy (DMD). Also called: Duchenne Muscular Dystrophy (DMD); MUSCULAR DYSTROPHY, PSEUDOHYPERTROPHIC PROGRESSIVE, DUCHENNE TYPE. Identifiers: Orphanet 98896, MedGen C0013264, MONDO:0010679, OMIM 310200.

Submission:

Labcorp Genetics (formerly Invitae), Labcorp
Classification: Pathogenic for Duchenne muscular dystrophy. Last evaluated: 2022-07-19. Review status: criteria provided, single submitter. Criteria: Invitae Variant Classification Sherloc (09022015). Collection method: clinical testing. Allele origin: germline.
Comment: This variant results in a copy number gain of the genomic region encompassing exon(s) 10-17 of the DMD gene. While the exact position of this variant cannot be determined from the data, sub-genic copy number gains are generally in tandem (PMID: 25640679). This variant is predicted to be out-of-frame, and may result in an absent or disrupted protein product. Loss-of-function variants in DMD are known to be pathogenic (PMID: 16770791, 25007885). A similar copy number variant has been observed in individuals with Duchenne and Becker muscular dystrophies (PMID: 16917894, 18663755, 31705731). For these reasons, this variant has been classified as Pathogenic.

Literature cited by the submitters: PubMed 25640679; PubMed 16770791; PubMed 25007885; PubMed 16917894; PubMed 18663755; PubMed 31705731.